The following is an entry in ClinVar:

NM_000135.4(FANCA):c.3124C>T (p.Pro1042Ser)

Gene: FANCA (FA complementation group A; minus strand). Cytogenetic location: 16q24.3.
Variant type: single nucleotide variant.
Coding change: c.3124C>T on transcript NM_000135.4 (MANE Select); coding-DNA position 3124, C replaced by T.
Protein change: p.Pro1042Ser; replaces proline 1042 with serine.
Molecular consequence: missense variant.
Genome position (GRCh38, 1-based): chr16:89,749,845, G>A on the plus strand (C>T on the coding strand, the complement: FANCA is on the minus strand). VCF-style: chr16-89749845-G-A. GRCh37 (hg19) VCF-style: chr16-89816253-G-A.
Other names: c.3124C>T, p.Pro1042Ser (NM_001286167.3); c.3124C>T (NM_000135.2); short protein forms P1042S.
Identifiers: ClinVar variation 1399566 (VCV001399566.4), dbSNP rs1355177352, ClinGen allele CA397486650.

ClinVar aggregate classification (germline): Uncertain significance. Review status: criteria provided, multiple submitters, no conflicts (2 of 4 stars). 2 submissions from 2 submitters: Uncertain significance (2). Last evaluated 2024-11-26.

Conditions:
Fanconi anemia (FA). Also called: Fanconi's anemia. Identifiers: Orphanet 84, MedGen C0015625, MeSH D005199, MONDO:0019391.
Inborn genetic diseases. Identifiers: MedGen C0950123, MeSH D030342.

Allele frequency attached by ClinVar (database versions not stated): gnomAD exomes below 0.00001.
gnomAD v4.1: 1 of 1,614,226 alleles (0.000062%); highest among the groups gnomAD compares: Non-Finnish European, 0.000085%; no homozygotes.

Submissions (2):

Ambry Genetics
Classification: Uncertain significance for Inborn genetic diseases. Last evaluated: 2024-11-26. Review status: criteria provided, single submitter. Criteria: Ambry Variant Classification Scheme 2023. Collection method: clinical testing. Allele origin: germline.
Comment: The p.P1042S variant (also known as c.3124C>T), located in coding exon 32 of the FANCA gene, results from a C to T substitution at nucleotide position 3124. The proline at codon 1042 is replaced by serine, an amino acid with similar properties. This amino acid position is conserved. In addition, this alteration is predicted to be tolerated by in silico analysis. Based on the available evidence, the clinical significance of this variant remains unclear.

Labcorp Genetics (formerly Invitae), Labcorp
Classification: Uncertain significance for Fanconi anemia. Last evaluated: 2021-10-06. Review status: criteria provided, single submitter. Criteria: Invitae Variant Classification Sherloc (09022015). Collection method: clinical testing. Allele origin: germline.
Comment: This sequence change replaces proline with serine at codon 1042 of the FANCA protein (p.Pro1042Ser). The proline residue is weakly conserved and there is a moderate physicochemical difference between proline and serine. This variant is not present in population databases (ExAC no frequency). This variant has not been reported in the literature in individuals affected with FANCA-related conditions. Advanced modeling of protein sequence and biophysical properties (such as structural, functional, and spatial information, amino acid conservation, physicochemical variation, residue mobility, and thermodynamic stability) performed at Invitae indicates that this missense variant is not expected to disrupt FANCA protein function. In summary, the available evidence is currently insufficient to determine the role of this variant in disease. Therefore, it has been classified as a Variant of Uncertain Significance.